The following is an entry in ClinVar:

ClinVar aggregate classification (germline): Uncertain significance (1 of 4 stars; one submission).

Conditions:
Spastic paraplegia. Identifiers: MedGen C0037772, HP:0001258.

Submission:

Labcorp Genetics (formerly Invitae), Labcorp
Classification: Uncertain significance for Spastic paraplegia. Last evaluated: 2025-09-29. Review status: criteria provided, single submitter. Criteria: Invitae Variant Classification Sherloc (09022015). Collection method: clinical testing. Allele origin: germline.
Comment: This sequence change falls in intron 25 of the KIF5A gene. It does not directly change the encoded amino acid sequence of the KIF5A protein. It affects a nucleotide within the consensus splice site. Information on the frequency of this variant in the gnomAD database is not available, as this variant may be reported differently in the database. This variant has not been reported in the literature in individuals affected with KIF5A-related conditions. ClinVar contains an entry for this variant (Variation ID: 1419860). Variants that disrupt the consensus splice site are a relatively common cause of aberrant splicing (PMID: 17576681, 9536098). In summary, the available evidence is currently insufficient to determine the role of this variant in disease. Therefore, it has been classified as a Variant of Uncertain Significance.

Literature cited by the submitters: PubMed 17576681; PubMed 9536098.

NM_004984.4(KIF5A):c.2910-4_2910-3delinsTT

Gene: KIF5A (kinesin family member 5A; plus strand). Cytogenetic location: 12q13.3.
Variant type: Indel.
Coding change: c.2910-4_2910-3delinsTT on transcript NM_004984.4 (MANE Select); 4 bases into the intron before coding-DNA position 2910 through 3 bases into the intron before coding-DNA position 2910, CC replaced by TT.
Molecular consequence: intron variant.
Genome position (GRCh38, 1-based): chr12:57,581,866-57,581,867, CC replaced by TT. VCF-style: chr12-57581866-CC-TT. GRCh37 (hg19) VCF-style: chr12-57975649-CC-TT.
Other names: c.2643-4_2643-3delinsTT (NM_001354705.2).
Identifiers: ClinVar variation 1419860 (VCV001419860.6), dbSNP rs2140172085, ClinGen allele CA2573148864.
Genomic context (GRCh38, chr12:57,581,866, plus strand): 5'-TAGTGGTCCTCAGACTAGTGGAGGGTGGGTGTCAGAGGCTGCCTCTTTCCTCTGCTCCAT[CC>TT]AGCTTTGCAAACTCCTGTACCAGCAGTGGAGCCACATCTTCTGGCGGCCCCTTGGCTTCC-3'